The following is an entry in ClinVar:

ClinVar aggregate classification (germline): Likely benign. Review status: criteria provided, single submitter (1 of 4 stars). 2 submissions from 2 submitters: Likely benign (1). 1 of the submissions does not count toward it. Last evaluated 2024-11-25.

Conditions:
RB1-related disorder. Also called: RB1-related condition.

Submissions (2):

Blueprint Genetics
Classification: Likely benign. Last evaluated: 2024-11-25. Review status: criteria provided, single submitter. Criteria: ACMG Guidelines, 2015. Collection method: clinical testing. Allele origin: germline.

PreventionGenetics, part of Exact Sciences
Classification: Likely benign for RB1-related condition. Last evaluated: 2020-03-13. Review status: no assertion criteria provided. Collection method: clinical testing. Allele origin: germline. Not counted in ClinVar's aggregate classification.
Comment: This variant is classified as likely benign based on ACMG/AMP sequence variant interpretation guidelines (Richards et al. 2015 PMID: 25741868, with internal and published modifications).

NM_000321.3(RB1):c.2212-22_2212-16del

Gene: RB1 (RB transcriptional corepressor 1; plus strand). Cytogenetic location: 13q14.2.
Variant type: Deletion.
Coding change: c.2212-22_2212-16del on transcript NM_000321.3 (MANE Select); 22 bases into the intron before coding-DNA position 2212 through 16 bases into the intron before coding-DNA position 2212, 7 bases deleted (TTTTTTT; older notation c.2212-22_2212-16delTTTTTTT).
Molecular consequence: intron variant.
Genome position (GRCh38, 1-based): chr13:48,464,976-48,464,982, TTTTTTT deleted; deleting any 7 consecutive bases within chr13:48,464,959-48,464,982 gives the same sequence; the c. name uses the placement nearest the transcript's 3' end. VCF-style (leftmost placement, unchanged base first): chr13-48464958-CTTTTTTT-C. GRCh37 (hg19) VCF-style: chr13-49039094-CTTTTTTT-C.
Other names: c.2212-22_2212-16del (NM_001407165.1).
Identifiers: ClinVar variation 3037602 (VCV003037602.3), dbSNP rs553094345, ClinGen allele CA6978906.